The following is an entry in ClinVar:

ClinVar aggregate classification (germline): Uncertain significance. Review status: criteria provided, multiple submitters, no conflicts (2 of 4 stars). 3 submissions from 3 submitters: Uncertain significance (3). Last evaluated 2025-07-15.

Conditions:
Hereditary pancreatitis (PCTT). Also called: PRSS1-Related Hereditary Pancreatitis; Hereditary chronic pancreatitis. Identifiers: Orphanet 676, MedGen C0238339, MONDO:0008185, OMIM 167800.

Allele frequency attached by ClinVar (database versions not stated): gnomAD exomes 0.00001.
gnomAD v4.1: 3 of 1,612,426 alleles (0.00019%); highest among the groups gnomAD compares: East Asian, 0.0022%; no homozygotes.

Submissions (3):

Labcorp Genetics (formerly Invitae), Labcorp
Classification: Uncertain significance. Last evaluated: 2025-07-15. Review status: criteria provided, single submitter. Criteria: Invitae Variant Classification Sherloc (09022015). Collection method: clinical testing. Allele origin: germline.
Comment: This sequence change replaces arginine, which is basic and polar, with cysteine, which is neutral and slightly polar, at codon 390 of the TRPV6 protein (p.Arg390Cys). This variant is present in population databases (no rsID available, gnomAD 0.006%). This missense change has been observed in individual(s) with clinical features of TRPV6-related conditions (PMID: 34923708, 36307859). ClinVar contains an entry for this variant (Variation ID: 3061798). Algorithms developed to predict the effect of variants on gene product structure and function are not available or were not evaluated for this variant. Experimental studies have shown that this missense change affects TRPV6 function (PMID: 34923708). In summary, the available evidence is currently insufficient to determine the role of this variant in disease. Therefore, it has been classified as a Variant of Uncertain Significance.

Department of Human Genetics, Hannover Medical School
Classification: Uncertain significance for Hereditary pancreatitis. Last evaluated: 2024-03-13. Review status: criteria provided, single submitter. Criteria: ACMG Guidelines, 2015. Collection method: clinical testing. Allele origin: germline. Affected: yes.

Blueprint Genetics
Classification: Uncertain significance. Last evaluated: 2021-09-22. Review status: criteria provided, single submitter. Criteria: ACMG Guidelines, 2015. Collection method: clinical testing. Allele origin: germline.

Literature cited by the submitters: PubMed 34923708 (cited by Labcorp Genetics (formerly Invitae), Labcorp); PubMed 36307859 (cited by Labcorp Genetics (formerly Invitae), Labcorp).

NM_018646.6(TRPV6):c.1168C>T (p.Arg390Cys)

Genes: EPHB6 (EPH receptor B6; plus strand), TRPV6 (transient receptor potential cation channel subfamily V member 6; minus strand). Cytogenetic location: 7q34.
Variant type: single nucleotide variant.
Coding change: c.1168C>T on transcript NM_018646.6 (MANE Select); coding-DNA position 1168, C replaced by T.
Protein change: p.Arg390Cys; replaces arginine 390 with cysteine.
Molecular consequence: missense variant.
Genome position (GRCh38, 1-based): chr7:142,875,542, G>A on the plus strand (C>T on the coding strand, the complement: TRPV6 is on the minus strand). VCF-style: chr7-142875542-G-A. GRCh37 (hg19) VCF-style: chr7-142573295-G-A.
Other names: short protein forms R390C.
Identifiers: ClinVar variation 3061798 (VCV003061798.3), dbSNP rs1466949494, ClinGen allele CA369634841.
Genomic context (GRCh38, chr7:142,875,542, plus strand): 5'-GCTGTAAGAGGGTGTTGTCCCGGGGGCTCGTGCGGTTATTGGTCCTGGGCTTGAGGGGGC[G>A]GTAGATGCAGCACATGGTGAAGCAGATGATGTACAGCAGATATATGGCACCCAGCATGCA-3'
Protein context (NP_061116.5, residues 380-400): IICFTMCCIY[Arg390Cys]PLKPRTNNRT